The following is an entry in ClinVar:

Conditions:
Breast-ovarian cancer, familial, susceptibility to, 1 (BROVCA1). Also called: BRCA1 Hereditary Breast and Ovarian Cancer; OVARIAN CANCER, SUSCEPTIBILITY TO. Identifiers: Orphanet 145, MedGen C2676676, MONDO:0011450, OMIM 604370. Disease mechanism: loss of function.

Submission:

Brotman Baty Institute, University of Washington
No classification provided (evidence only). Condition: Breast-ovarian cancer, familial 1. Review status: no classification provided. Collection method: in vitro. Allele origin: not applicable. Functional consequence: functionally_normal.
ClinVar note: "not provided" was previously submitted as the classification for the variant. However, the classification appeared to be based only on an observation of functional data so it was converted to no classification on 2025-07-30.

NM_007294.4(BRCA1):c.4924T>A (p.Ser1642Thr)

Gene: BRCA1 (BRCA1 DNA repair associated; minus strand). Cytogenetic location: 17q21.31.
Variant type: single nucleotide variant.
Coding change: c.4924T>A on transcript NM_007294.4 (MANE Select); coding-DNA position 4924, T replaced by A.
Protein change: p.Ser1642Thr; replaces serine 1642 with threonine.
Molecular consequence: missense variant. On other transcripts: non-coding transcript variant (1).
Genome position (GRCh38, 1-based): chr17:43,070,990, A>T on the plus strand (T>A on the coding strand, the complement: BRCA1 is on the minus strand). VCF-style: chr17-43070990-A-T. GRCh37 (hg19) VCF-style: chr17-41223007-A-T.
Other names: c.4711T>A, p.Ser1571Thr (NM_001407571.1, NM_001407902.1, NM_001407904.1 and 12 more transcripts); c.4990T>A, p.Ser1664Thr (NM_001407581.1, NM_001407582.1); c.4987T>A, p.Ser1663Thr (NM_001407583.1, NM_001407585.1, NM_001407587.1 and 1 more transcripts); c.4984T>A, p.Ser1662Thr (NM_001407590.1, NM_001407591.1); c.4924T>A, p.Ser1642Thr (NM_001407593.1, NM_001407594.1, NM_001407596.1 and 8 more transcripts); c.4921T>A, p.Ser1641Thr (NM_001407610.1, NM_001407611.1, NM_001407612.1 and 17 more transcripts); c.4918T>A, p.Ser1640Thr (NM_001407630.1, NM_001407631.1, NM_001407632.1 and 14 more transcripts); c.4846T>A, p.Ser1616Thr (NM_001407653.1, NM_001407654.1, NM_001407655.1); and 70 more; short protein forms S1595T, S1642T, S538T, S1663T, S1473T, S1513T, S1514T, S1570T.
Identifiers: ClinVar variation 868414 (VCV000868414.3), dbSNP rs2052376601, ClinGen allele CA10591675.